The following is an entry in ClinVar:

ClinVar aggregate classification (germline): Likely pathogenic (1 of 4 stars; one submission).

Conditions:
Arrhythmogenic right ventricular dysplasia 10. Also called: Arrhythmogenic Right Ventricular Dysplasia/Cardiomyopathy10; Arrhythmogenic right ventricular dysplasia/cardiomyopathy, type 10; ARRHYTHMOGENIC RIGHT VENTRICULAR DYSPLASIA, FAMILIAL, 10. Identifiers: MedGen C1857777, MONDO:0012434, OMIM 610193.

Submission:

Labcorp Genetics (formerly Invitae), Labcorp
Classification: Likely pathogenic for Arrhythmogenic right ventricular dysplasia 10. Last evaluated: 2021-11-30. Review status: criteria provided, single submitter. Criteria: Invitae Variant Classification Sherloc (09022015). Collection method: clinical testing. Allele origin: germline.
Comment: In summary, the currently available evidence indicates that the variant is pathogenic, but additional data are needed to prove that conclusively. Therefore, this variant has been classified as Likely Pathogenic. Algorithms developed to predict the effect of sequence changes on RNA splicing suggest that this variant may disrupt the consensus splice site. This variant has not been reported in the literature in individuals affected with DSG2-related conditions. This variant is not present in population databases (gnomAD no frequency). This sequence change affects a donor splice site in intron 13 of the DSG2 gene. It is expected to disrupt RNA splicing. Variants that disrupt the donor or acceptor splice site typically lead to a loss of protein function (PMID: 16199547), and loss-of-function variants in DSG2 are known to be pathogenic (PMID: 17105751, 31386562).

Literature cited by the submitters: PubMed 16199547; PubMed 17105751; PubMed 31386562.

NM_001943.5(DSG2):c.2001+1G>A

Gene: DSG2 (desmoglein 2; plus strand). Cytogenetic location: 18q12.1.
Variant type: single nucleotide variant.
Coding change: c.2001+1G>A on transcript NM_001943.5 (MANE Select); the canonical splice donor site of the intron after coding-DNA position 2001, G replaced by A.
Molecular consequence: splice donor variant.
Genome position (GRCh38, 1-based): chr18:31,541,315, G>A. VCF-style: chr18-31541315-G-A. GRCh37 (hg19) VCF-style: chr18-29121278-G-A.
Identifiers: ClinVar variation 2017768 (VCV002017768.4), dbSNP rs2510920042, ClinGen allele CA402140004.